The following is an entry in ClinVar:

ClinVar aggregate classification (germline): Likely benign. Review status: criteria provided, multiple submitters, no conflicts (2 of 4 stars). 3 submissions from 3 submitters: Likely benign (3). Last evaluated 2026-02-12.

Conditions:
Inborn genetic diseases. Identifiers: MedGen C0950123, MeSH D030342.
Fanconi anemia (FA). Also called: Fanconi's anemia. Identifiers: Orphanet 84, MedGen C0015625, MeSH D005199, MONDO:0019391.

Allele frequency attached by ClinVar (database versions not stated): ExAC 0.00001; gnomAD 0.00001; gnomAD exomes 0.00001.
gnomAD v4.1: 10 of 1,607,376 alleles (0.00062%); highest among the groups gnomAD compares: East Asian, 0.0022%; no homozygotes.

Submissions (3):

Ambry Genetics
Classification: Likely benign for Inborn genetic diseases. Last evaluated: 2026-02-12. Review status: criteria provided, single submitter. Criteria: Ambry Variant Classification Scheme 2023. Collection method: clinical testing. Allele origin: germline.

Labcorp Genetics (formerly Invitae), Labcorp
Classification: Likely benign for Fanconi anemia. Last evaluated: 2024-01-31. Review status: criteria provided, single submitter. Criteria: Invitae Variant Classification Sherloc (09022015). Collection method: clinical testing. Allele origin: germline.

CeGaT Center for Human Genetics Tuebingen
Classification: Likely benign. Last evaluated: 2022-11-01. Review status: criteria provided, single submitter. Criteria: CeGaT Center For Human Genetics Tuebingen Variant Classification Criteria Version 2. Collection method: clinical testing. Allele origin: germline. Affected: yes. Observed: 1 variant allele.
Comment: FANCG: BP4, BP7

NM_004629.2(FANCG):c.1203G>A (p.Ala401=)

Gene: FANCG (FA complementation group G; minus strand). Cytogenetic location: 9p13.3.
Variant type: single nucleotide variant.
Coding change: c.1203G>A on transcript NM_004629.2 (MANE Select); coding-DNA position 1203, G replaced by A.
Protein change: p.Ala401=; no amino-acid change (alanine 401 retained).
Molecular consequence: synonymous variant.
Genome position (GRCh38, 1-based): chr9:35,075,695, C>T on the plus strand (G>A on the coding strand, the complement: FANCG is on the minus strand). VCF-style: chr9-35075695-C-T. GRCh37 (hg19) VCF-style: chr9-35075692-C-T.
Identifiers: ClinVar variation 700533 (VCV000700533.31), dbSNP rs770325434, ClinGen allele CA5039796.